The following is an entry in ClinVar:

ClinVar aggregate classification (germline): Uncertain significance (1 of 4 stars; one submission).

Submission:

Women's Health and Genetics/Laboratory Corporation of America, LabCorp
Classification: Uncertain significance. Last evaluated: 2024-06-11. Review status: criteria provided, single submitter. Criteria: LabCorp Variant Classification Summary - May 2015. Collection method: clinical testing. Allele origin: germline.
Comment: Variant summary: CACNA1D c.5503T>C (p.Ser1835Pro) results in a non-conservative amino acid change located in the Voltage-gated calcium channel subunit alpha, C-terminal (IPR031688) of the encoded protein sequence. Three of five in-silico tools predict a damaging effect of the variant on protein function. The variant was absent in 251470 control chromosomes. The available data on variant occurrences in the general population are insufficient to allow any conclusion about variant significance. To our knowledge, no occurrence of c.5503T>C in individuals affected with Sinoatrial Node Dysfunction And Deafness and no experimental evidence demonstrating its impact on protein function have been reported. No submitters have cited clinical-significance assessments for this variant to ClinVar. Based on the evidence outlined above, the variant was classified as uncertain significance.

NM_001128840.3(CACNA1D):c.5443T>C (p.Ser1815Pro)

Gene: CACNA1D (calcium voltage-gated channel subunit alpha1 D; plus strand). Cytogenetic location: 3p21.1.
Variant type: single nucleotide variant.
Coding change: c.5443T>C on transcript NM_001128840.3 (MANE Select); coding-DNA position 5443, T replaced by C.
Protein change: p.Ser1815Pro; replaces serine 1815 with proline.
Molecular consequence: missense variant.
Genome position (GRCh38, 1-based): chr3:53,803,430, T>C. VCF-style: chr3-53803430-T-C. GRCh37 (hg19) VCF-style: chr3-53837457-T-C.
Other names: c.5503T>C, p.Ser1835Pro (NM_000720.4); c.5371T>C, p.Ser1791Pro (NM_001128839.3); short protein forms S1791P, S1815P, S1835P.
Identifiers: ClinVar variation 3339620 (VCV003339620.1).